The following is an entry in ClinVar:

NM_144991.3(TSPEAR):c.1379C>T (p.Pro460Leu)

Gene: TSPEAR (thrombospondin type laminin G domain and EAR repeats; minus strand). Cytogenetic location: 21q22.3.
Variant type: single nucleotide variant.
Coding change: c.1379C>T on transcript NM_144991.3 (MANE Select); coding-DNA position 1379, C replaced by T.
Protein change: p.Pro460Leu; replaces proline 460 with leucine.
Molecular consequence: missense variant.
Genome position (GRCh38, 1-based): chr21:44,522,070, G>A on the plus strand (C>T on the coding strand, the complement: TSPEAR is on the minus strand). VCF-style: chr21-44522070-G-A. GRCh37 (hg19) VCF-style: chr21-45941953-G-A.
Other names: c.1175C>T, p.Pro392Leu (NM_001272037.2); short protein forms P392L, P460L.
Identifiers: ClinVar variation 1696874 (VCV001696874.4), dbSNP rs782351586, ClinGen allele CA410437510.

ClinVar aggregate classification (germline): Uncertain significance. Review status: criteria provided, multiple submitters, no conflicts (2 of 4 stars). 3 submissions from 3 submitters: Uncertain significance (3). Last evaluated 2025-04-10.

Conditions:
Inborn genetic diseases. Identifiers: MedGen C0950123, MeSH D030342.

Allele frequency attached by ClinVar (database versions not stated): TOPMed 0.00010.
gnomAD v4.1: 90 of 1,614,002 alleles (0.0056%); highest among the groups gnomAD compares: Admixed American, 0.04%; no homozygotes.

Submissions (3):

Ambry Genetics
Classification: Uncertain significance for Inborn genetic diseases. Last evaluated: 2025-04-10. Review status: criteria provided, single submitter. Criteria: Ambry Variant Classification Scheme 2023. Collection method: clinical testing. Allele origin: germline.

Blueprint Genetics
Classification: Uncertain significance. Last evaluated: 2022-12-16. Review status: criteria provided, single submitter. Criteria: ACMG Guidelines, 2015. Collection method: clinical testing. Allele origin: germline.

GeneDx
Classification: Uncertain significance. Last evaluated: 2022-07-08. Review status: criteria provided, single submitter. Criteria: GeneDx Variant Classification Process June 2021. Collection method: clinical testing. Allele origin: germline. Affected: yes.
Comment: In silico analysis supports that this missense variant has a deleterious effect on protein structure/function; Has not been previously published as pathogenic or benign to our knowledge